The following is an entry in ClinVar:

ClinVar aggregate classification (germline): Conflicting classifications of pathogenicity. Review status: criteria provided, conflicting classifications (1 of 4 stars). 2 submissions from 2 submitters: Uncertain significance (1); Likely benign (1). Last evaluated 2025-03-26.

Conditions:
Inborn genetic diseases. Identifiers: MedGen C0950123, MeSH D030342.

Allele frequency attached by ClinVar (database versions not stated): gnomAD exomes 0.00007 and 0.00003; TOPMed 0.00003; gnomAD 0.00001; ExAC 0.00007.
gnomAD v4.1: 19 of 1,613,408 alleles (0.0012%); highest among the groups gnomAD compares: Admixed American, 0.032%; no homozygotes.

Submissions (2):

Ambry Genetics
Classification: Likely benign for Inborn genetic diseases. Last evaluated: 2025-03-26. Review status: criteria provided, single submitter. Criteria: Ambry Variant Classification Scheme 2023. Collection method: clinical testing. Allele origin: germline.

Labcorp Genetics (formerly Invitae), Labcorp
Classification: Uncertain significance. Last evaluated: 2024-12-02. Review status: criteria provided, single submitter. Criteria: Invitae Variant Classification Sherloc (09022015). Collection method: clinical testing. Allele origin: germline.
Comment: This sequence change replaces arginine, which is basic and polar, with tryptophan, which is neutral and slightly polar, at codon 1373 of the TUBGCP6 protein (p.Arg1373Trp). This variant is present in population databases (rs748720012, gnomAD 0.05%). This variant has not been reported in the literature in individuals affected with TUBGCP6-related conditions. ClinVar contains an entry for this variant (Variation ID: 1039151). An algorithm developed to predict the effect of missense changes on protein structure and function (PolyPhen-2) suggests that this variant¬†is likely to be tolerated. In summary, the available evidence is currently insufficient to determine the role of this variant in disease. Therefore, it has been classified as a Variant of Uncertain Significance.

NM_020461.4(TUBGCP6):c.4117A>T (p.Arg1373Trp)

Gene: TUBGCP6 (tubulin gamma complex component 6; minus strand). Cytogenetic location: 22q13.33.
Variant type: single nucleotide variant.
Coding change: c.4117A>T on transcript NM_020461.4 (MANE Select); coding-DNA position 4117, A replaced by T.
Protein change: p.Arg1373Trp; replaces arginine 1373 with tryptophan.
Molecular consequence: missense variant.
Genome position (GRCh38, 1-based): chr22:50,220,007, T>A on the plus strand (A>T on the coding strand, the complement: TUBGCP6 is on the minus strand). VCF-style: chr22-50220007-T-A. GRCh37 (hg19) VCF-style: chr22-50658436-T-A.
Other names: c.4117A>T (NM_020461.3); short protein forms R1373W.
Identifiers: ClinVar variation 1039151 (VCV001039151.7), dbSNP rs748720012, ClinGen allele CA10307677.